The following is an entry in ClinVar:

ClinVar aggregate classification (germline): Uncertain significance. Review status: criteria provided, single submitter (1 of 4 stars). 2 submissions from 2 submitters: Uncertain significance (1). 1 of the submissions does not count toward it. Last evaluated 2022-12-01.

Conditions:
PLXNA1-related disorder. Also called: PLXNA1-related condition.

Allele frequency attached by ClinVar (database versions not stated): ExAC 0.00001; TOPMed 0.00001; gnomAD 0.00002; gnomAD exomes 0.00005.
gnomAD v4.1: 74 of 1,613,298 alleles (0.0046%); highest among the groups gnomAD compares: Non-Finnish European, 0.0061%; no homozygotes.

Submissions (2):

Ambry Genetics
Classification: Uncertain significance. Last evaluated: 2022-12-01. Review status: criteria provided, single submitter. Criteria: Ambry Variant Classification Scheme 2023. Collection method: clinical testing. Allele origin: germline.

PreventionGenetics, part of Exact Sciences
Classification: Uncertain significance for PLXNA1-related condition. Last evaluated: 2023-12-26. Review status: no assertion criteria provided. Collection method: clinical testing. Allele origin: germline. Not counted in ClinVar's aggregate classification.
Comment: The PLXNA1 c.4133A>G variant is predicted to result in the amino acid substitution p.Gln1378Arg. To our knowledge, this variant has not been reported in the literature. This variant is reported in 0.0040% of alleles in individuals of African descent in gnomAD. At this time, the clinical significance of this variant is uncertain due to the absence of conclusive functional and genetic evidence.

NM_032242.4(PLXNA1):c.4133A>G (p.Gln1378Arg)

Gene: PLXNA1 (plexin A1; plus strand). Cytogenetic location: 3q21.3.
Variant type: single nucleotide variant.
Coding change: c.4133A>G on transcript NM_032242.4 (MANE Select); coding-DNA position 4133, A replaced by G.
Protein change: p.Gln1378Arg; replaces glutamine 1378 with arginine.
Molecular consequence: missense variant.
Genome position (GRCh38, 1-based): chr3:127,022,179, A>G. VCF-style: chr3-127022179-A-G. GRCh37 (hg19) VCF-style: chr3-126741022-A-G.
Other names: short protein forms Q1378R.
Identifiers: ClinVar variation 2211535 (VCV002211535.4), dbSNP rs751244010, ClinGen allele CA2594243.
Genomic context (GRCh38, chr3:127,022,179, plus strand): 5'-TCGGGCAGCTGCTGACCAAGAAGCACTTCCTGCTGACCTTCATCCGCACGCTGGAGGCAC[A>G]GCGCAGCTTCTCCATGCGCGACCGCGGGAATGTGGCCTCGCTCATCATGACGGCCCTGCA-3'
Protein context (NP_115618.3, residues 1368-1388): LLTFIRTLEA[Gln1378Arg]RSFSMRDRGN